The following is an entry in ClinVar:

ClinVar aggregate classification (germline): Uncertain significance. Review status: criteria provided, multiple submitters, no conflicts (2 of 4 stars). 2 submissions from 2 submitters: Uncertain significance (2). Last evaluated 2026-03-26.

Allele frequency attached by ClinVar (database versions not stated): gnomAD exomes 0.00003; gnomAD 0.00005; TOPMed 0.00005; ExAC 0.00013.

Submissions (2):

GeneDx
Classification: Uncertain significance. Last evaluated: 2026-03-26. Review status: criteria provided, single submitter. Criteria: GeneDx Variant Classification Process June 2021. Collection method: clinical testing. Allele origin: germline.
Comment: In silico analysis supports that this missense variant has a deleterious effect on protein structure/function; Has not been previously published as pathogenic or benign to our knowledge

Labcorp Genetics (formerly Invitae), Labcorp
Classification: Uncertain significance. Last evaluated: 2022-02-28. Review status: criteria provided, single submitter. Criteria: Invitae Variant Classification Sherloc (09022015). Collection method: clinical testing. Allele origin: germline.
Comment: This sequence change replaces arginine, which is basic and polar, with cysteine, which is neutral and slightly polar, at codon 142 of the RHBDF2 protein (p.Arg142Cys). This variant is present in population databases (rs748232908, gnomAD 0.01%). This variant has not been reported in the literature in individuals affected with RHBDF2-related conditions. Algorithms developed to predict the effect of missense changes on protein structure and function (SIFT, PolyPhen-2, Align-GVGD) all suggest that this variant is likely to be disruptive. In summary, the available evidence is currently insufficient to determine the role of this variant in disease. Therefore, it has been classified as a Variant of Uncertain Significance.

NM_001005498.4(RHBDF2):c.337C>T (p.Arg113Cys)

Gene: RHBDF2 (rhomboid 5 homolog 2; minus strand). Cytogenetic location: 17q25.1.
Variant type: single nucleotide variant.
Coding change: c.337C>T on transcript NM_001005498.4 (MANE Select); coding-DNA position 337, C replaced by T.
Protein change: p.Arg113Cys; replaces arginine 113 with cysteine.
Molecular consequence: missense variant. On other transcripts: non-coding transcript variant (3).
Genome position (GRCh38, 1-based): chr17:76,479,213, G>A on the plus strand (C>T on the coding strand, the complement: RHBDF2 is on the minus strand). VCF-style: chr17-76479213-G-A. GRCh37 (hg19) VCF-style: chr17-74475295-G-A.
Other names: c.337C>T, p.Arg113Cys (NM_001376228.1, NM_001376229.1, NM_001376230.1); c.424C>T, p.Arg142Cys (NM_024599.5); short protein forms R113C, R142C.
Identifiers: ClinVar variation 2143873 (VCV002143873.5), dbSNP rs748232908, ClinGen allele CA8787369.